The following is an entry in ClinVar:

NM_001085487.3(MYSM1):c.2089C>T (p.Arg697Ter)

Gene: MYSM1 (Myb like, SWIRM and MPN domains 1; minus strand). Cytogenetic location: 1p32.1.
Variant type: single nucleotide variant.
Coding change: c.2089C>T on transcript NM_001085487.3 (MANE Select); coding-DNA position 2089, C replaced by T.
Protein change: p.Arg697Ter; replaces arginine 697 with a stop codon.
Molecular consequence: nonsense.
Genome position (GRCh38, 1-based): chr1:58,665,574, G>A on the plus strand (C>T on the coding strand, the complement: MYSM1 is on the minus strand). VCF-style: chr1-58665574-G-A. GRCh37 (hg19) VCF-style: chr1-59131246-G-A.
Other names: short protein forms R697*.
Identifiers: ClinVar variation 3622781 (VCV003622781.2).
Genomic context (GRCh38, chr1:58,665,574, plus strand): 5'-GGCTAATTTCCTCACTTATAACCAGGCAGGTAATCTGAGAATATGGTAAGGGATTATTTC[G>A]ATTATAGGGACTAACAATCATCCCAATGAACTTTGCACCTCCTCTGGAGAAGTAACTCTA-3'

ClinVar aggregate classification (germline): Pathogenic (1 of 4 stars; one submission).

gnomAD v4.1: 4 of 1,591,102 alleles (0.00025%); highest among the groups gnomAD compares: Non-Finnish European, 0.00035%; no homozygotes.

Submission:

Labcorp Genetics (formerly Invitae), Labcorp
Classification: Pathogenic. Last evaluated: 2025-06-26. Review status: criteria provided, single submitter. Criteria: Invitae Variant Classification Sherloc (09022015). Collection method: clinical testing. Allele origin: germline.
Comment: This sequence change creates a premature translational stop signal (p.Arg697*) in the MYSM1 gene. It is expected to result in an absent or disrupted protein product. Loss-of-function variants in MYSM1 are known to be pathogenic (PMID: 24288411, 28115216). This variant is not present in population databases (gnomAD no frequency). This variant has not been reported in the literature in individuals affected with MYSM1-related conditions. ClinVar contains an entry for this variant (Variation ID: 3622781). For these reasons, this variant has been classified as Pathogenic.

Literature cited by the submitters: PubMed 24288411; PubMed 28115216.